The following is an entry in ClinVar:

ClinVar aggregate classification (germline): Benign. Review status: criteria provided, single submitter (1 of 4 stars). 2 submissions from 2 submitters: Benign (1). 1 of the submissions does not count toward it. Last evaluated 2018-05-21.

Conditions:
SOHLH1-related disorder. Also called: SOHLH1-related condition.

Allele frequency attached by ClinVar (database versions not stated): TOPMed 0.00020; gnomAD 0.00024 and 0.00043; ESP Exome Variant Server 0.00031; gnomAD exomes 0.00085; ExAC 0.00095; 1000 Genomes Project 30x 0.00125; 1000 Genomes Project 0.00140.
gnomAD v4.1: 854 of 1,613,012 alleles (0.053%); highest among the groups gnomAD compares: South Asian, 0.51%; 8 homozygotes.

Submissions (2):

Labcorp Genetics (formerly Invitae), Labcorp
Classification: Benign. Last evaluated: 2018-05-21. Review status: criteria provided, single submitter. Criteria: Invitae Variant Classification Sherloc (09022015). Collection method: clinical testing. Allele origin: germline.

PreventionGenetics, part of Exact Sciences
Classification: Likely benign for SOHLH1-related condition. Last evaluated: 2024-08-17. Review status: no assertion criteria provided. Collection method: clinical testing. Allele origin: germline. Not counted in ClinVar's aggregate classification.
Comment: This variant is classified as likely benign based on ACMG/AMP sequence variant interpretation guidelines (Richards et al. 2015 PMID: 25741868, with internal and published modifications).

NM_001101677.2(SOHLH1):c.562A>G (p.Arg188Gly)

Gene: SOHLH1 (spermatogenesis and oogenesis specific basic helix-loop-helix 1; minus strand). Cytogenetic location: 9q34.3.
Variant type: single nucleotide variant.
Coding change: c.562A>G on transcript NM_001101677.2 (MANE Select); coding-DNA position 562, A replaced by G.
Protein change: p.Arg188Gly; replaces arginine 188 with glycine.
Molecular consequence: missense variant.
Genome position (GRCh38, 1-based): chr9:135,696,711, T>C on the plus strand (A>G on the coding strand, the complement: SOHLH1 is on the minus strand). VCF-style: chr9-135696711-T-C. GRCh37 (hg19) VCF-style: chr9-138588557-T-C.
Other names: c.562A>G, p.Arg188Gly (NM_001012415.3); short protein forms R188G.
Identifiers: ClinVar variation 736461 (VCV000736461.4), dbSNP rs143757358, ClinGen allele CA5325873.